The following is an entry in ClinVar:

ClinVar aggregate classification (germline): Uncertain significance (1 of 4 stars; one submission).

gnomAD v4.1: 44 of 1,614,102 alleles (0.0027%); highest among the groups gnomAD compares: Non-Finnish European, 0.0036%; no homozygotes.

Submission:

Labcorp Genetics (formerly Invitae), Labcorp
Classification: Uncertain significance. Last evaluated: 2025-09-25. Review status: criteria provided, single submitter. Criteria: Invitae Variant Classification Sherloc (09022015). Collection method: clinical testing. Allele origin: germline.
Comment: This sequence change replaces arginine, which is basic and polar, with tryptophan, which is neutral and slightly polar, at codon 61 of the MCM5 protein (p.Arg61Trp). This variant is present in population databases (rs118180933, gnomAD 0.008%). This variant has not been reported in the literature in individuals affected with MCM5-related conditions. ClinVar contains an entry for this variant (Variation ID: 3665704). Invitae Evidence Modeling of protein sequence and biophysical properties (such as structural, functional, and spatial information, amino acid conservation, physicochemical variation, residue mobility, and thermodynamic stability) indicates that this missense variant is expected to disrupt MCM5 protein function with a positive predictive value of 80%. In summary, the available evidence is currently insufficient to determine the role of this variant in disease. Therefore, it has been classified as a Variant of Uncertain Significance.

NM_006739.4(MCM5):c.181C>T (p.Arg61Trp)

Gene: MCM5 (minichromosome maintenance complex component 5; plus strand). Cytogenetic location: 22q12.3.
Variant type: single nucleotide variant.
Coding change: c.181C>T on transcript NM_006739.4 (MANE Select); coding-DNA position 181, C replaced by T.
Protein change: p.Arg61Trp; replaces arginine 61 with tryptophan.
Molecular consequence: missense variant.
Genome position (GRCh38, 1-based): chr22:35,403,220, C>T. VCF-style: chr22-35403220-C-T. GRCh37 (hg19) VCF-style: chr22-35799213-C-T.
Other names: short protein forms R61W.
Identifiers: ClinVar variation 3665704 (VCV003665704.2).